The following is an entry in ClinVar:

ClinVar aggregate classification (germline): Pathogenic (1 of 4 stars; one submission).

Conditions:
Camptomelic dysplasia (CMPD). Also called: Campomelic Dysplasia; CMPD1/SRA1. Identifiers: Orphanet 140, MedGen C1861922, MONDO:0007251, OMIM 114290.

Submission:

Labcorp Genetics (formerly Invitae), Labcorp
Classification: Pathogenic for Camptomelic dysplasia. Last evaluated: 2023-05-23. Review status: criteria provided, single submitter. Criteria: Invitae Variant Classification Sherloc (09022015). Collection method: clinical testing. Allele origin: germline.
Comment: This sequence change replaces valine, which is neutral and non-polar, with phenylalanine, which is neutral and non-polar, at codon 105 of the SOX9 protein (p.Val105Phe). This variant is not present in population databases (gnomAD no frequency). This missense change has been observed in individual(s) with clinical features of campomelic dysplasia (Invitae). In at least one individual the variant was observed to be de novo. ClinVar contains an entry for this variant (Variation ID: 1422924). Advanced modeling of protein sequence and biophysical properties (such as structural, functional, and spatial information, amino acid conservation, physicochemical variation, residue mobility, and thermodynamic stability) performed at Invitae indicates that this missense variant is expected to disrupt SOX9 protein function. For these reasons, this variant has been classified as Pathogenic.

NM_000346.4(SOX9):c.313G>T (p.Val105Phe)

Genes: SOX9 (SRY-box transcription factor 9; plus strand), LOC108021846 (SOX9 promoter region; plus strand). Cytogenetic location: 17q24.3.
Variant type: single nucleotide variant.
Coding change: c.313G>T on transcript NM_000346.4 (MANE Select); coding-DNA position 313, G replaced by T.
Protein change: p.Val105Phe; replaces valine 105 with phenylalanine.
Molecular consequence: missense variant.
Genome position (GRCh38, 1-based): chr17:72,121,704, G>T. VCF-style: chr17-72121704-G-T. GRCh37 (hg19) VCF-style: chr17-70117845-G-T.
Other names: short protein forms V105F.
Identifiers: ClinVar variation 1422924 (VCV001422924.8), dbSNP rs2143239754, ClinGen allele CA400865991.
Genomic context (GRCh38, chr17:72,121,704, plus strand): 5'-GACTGGACGCTGGTGCCCATGCCGGTGCGCGTCAACGGCTCCAGCAAGAACAAGCCGCAC[G>T]TCAAGCGGCCCATGAACGCCTTCATGGTGTGGGCGCAGGCGGCGCGCAGGAAGCTCGCGG-3'
Protein context (NP_000337.1, residues 95-115): VNGSSKNKPH[Val105Phe]KRPMNAFMVW